The following is an entry in ClinVar:

ClinVar aggregate classification (germline): Pathogenic (1 of 4 stars; one submission).

Allele frequency attached by ClinVar (database versions not stated): gnomAD exomes below 0.00001; TOPMed below 0.00001; gnomAD 0.00001.
gnomAD v4.1: 4 of 1,603,688 alleles (0.00025%); highest among the groups gnomAD compares: Non-Finnish European, 0.00025%; no homozygotes.

Submission:

GeneDx
Classification: Pathogenic. Last evaluated: 2023-04-27. Review status: criteria provided, single submitter. Criteria: GeneDx Variant Classification Process June 2021. Collection method: clinical testing. Allele origin: germline.
Comment: Canonical splice site variant predicted to result in a null allele in a gene for which loss-of-function is a known mechanism of disease; Not observed at significant frequency in large population cohorts (gnomAD); Has not been previously published as pathogenic or benign in association with CEP250-related cone-rod dystrophy and hearing loss to our knowledge; This variant is associated with the following publications: (PMID: 31964843)

NM_007186.6(CEP250):c.3656-1G>A

Gene: CEP250 (centrosomal protein 250; plus strand). Cytogenetic location: 20q11.22.
Variant type: single nucleotide variant.
Coding change: c.3656-1G>A on transcript NM_007186.6 (MANE Select); the canonical splice acceptor site of the intron before coding-DNA position 3656, G replaced by A.
Molecular consequence: splice acceptor variant.
Genome position (GRCh38, 1-based): chr20:35,498,594, G>A. VCF-style: chr20-35498594-G-A. GRCh37 (hg19) VCF-style: chr20-34086423-G-A.
Other names: c.1760-1G>A (NM_001318219.1).
Identifiers: ClinVar variation 2430912 (VCV002430912.2), dbSNP rs1269419137, ClinGen allele CA408744933.